The following is an entry in ClinVar:

ClinVar aggregate classification (germline): Pathogenic (0 of 4 stars; one submission).

Conditions:
PKD1-related disorder. Also called: PKD1-related condition.

Submission:

PreventionGenetics, part of Exact Sciences
Classification: Pathogenic for PKD1-related condition. Last evaluated: 2023-12-21. Review status: no assertion criteria provided. Collection method: clinical testing. Allele origin: germline.
Comment: The PKD1 c.9040dupC variant is predicted to result in a frameshift and premature protein termination (p.Leu3014Profs*55). To our knowledge, this variant has not been reported in the literature or in a large population database, indicating this variant is rare. Frameshift variants in PKD1 are expected to be pathogenic. This variant is interpreted as pathogenic.

NM_001009944.3(PKD1):c.9040dup (p.Leu3014fs)

Gene: PKD1 (polycystin 1, transient receptor potential channel interacting; minus strand). Cytogenetic location: 16p13.3.
Variant type: Duplication.
Coding change: c.9040dup on transcript NM_001009944.3 (MANE Select); coding-DNA position 9040, one base duplicated (C; older notation c.9040dupC).
Protein change: p.Leu3014fs; shifts the reading frame from leucine 3014.
Molecular consequence: frameshift variant.
Genome position (GRCh38, 1-based): chr16:2,102,542, G duplicated on the plus strand (C on the coding strand, the reverse complement: PKD1 is on the minus strand); the first of 3 consecutive G bases (chr16:2,102,542-2,102,544); duplicating any one gives the same sequence. VCF-style (leftmost placement, unchanged base first): chr16-2102541-A-AG. GRCh37 (hg19) VCF-style: chr16-2152542-A-AG.
Other names: c.9040dup, p.Leu3014fs (NM_000296.4); c.9040dupC (NM_001009944.2); short protein forms L3014fs.
Identifiers: ClinVar variation 3029461 (VCV003029461.2), dbSNP rs2544733556, ClinGen allele CA2740096847.